The following is an entry in ClinVar:

ClinVar aggregate classification (germline): Benign/Likely benign. Review status: criteria provided, multiple submitters, no conflicts (2 of 4 stars). 12 submissions from 12 submitters: Benign (8); Likely benign (2). 2 of the submissions do not count toward it. Last evaluated 2026-09-01.

Conditions:
Fanconi anemia complementation group Q. Identifiers: Orphanet 84, MedGen C3808988, MONDO:0014108, OMIM 615272.
Cockayne syndrome. Identifiers: Orphanet 191, MedGen C0009207, MONDO:0016006.
Xeroderma pigmentosum, group F (XPF). Also called: XERODERMA PIGMENTOSUM, COMPLEMENTATION GROUP F; XERODERMA PIGMENTOSUM VI; XP, GROUP F; ERCC4-Related Xeroderma Pigmentosum; XERODERMA PIGMENTOSUM, TYPE F; Xeroderma pigmentosum, type 6. Identifiers: MedGen C0268140, MONDO:0010215, OMIM 278760.
XFE progeroid syndrome (XFEPS). Also called: XPF-ERCC1 PROGEROID SYNDROME. Identifiers: MedGen C1970416, MONDO:0012590, OMIM 610965.

Allele frequency attached by ClinVar (database versions not stated): 1000 Genomes Project 30x 0.00453; 1000 Genomes Project 0.00459; TOPMed 0.00793; gnomAD 0.01004 and 0.01026; ESP Exome Variant Server 0.01016; gnomAD exomes 0.01067; ExAC 0.01088.

Submissions (12):

CeGaT Center for Human Genetics Tuebingen
Classification: Benign. Last evaluated: 2026-09-01. Review status: criteria provided, single submitter. Criteria: CeGaT Center For Human Genetics Tuebingen Variant Classification Criteria Version 2. Collection method: clinical testing. Allele origin: germline. Affected: yes. Observed: 150 variant alleles.
Comment: ERCC4: BP4, BP7, BS1, BS2

Labcorp Genetics (formerly Invitae), Labcorp
Classification: Benign for Fanconi anemia complementation group Q; Xeroderma pigmentosum, group F; Cockayne syndrome. Last evaluated: 2026-02-03. Review status: criteria provided, single submitter. Criteria: Invitae Variant Classification Sherloc (09022015). Collection method: clinical testing. Allele origin: germline.

ARUP Laboratories, Molecular Genetics and Genomics, ARUP Laboratories
Classification: Benign. Last evaluated: 2025-02-21. Review status: criteria provided, single submitter. Criteria: ARUP Molecular Germline Variant Investigation Process 2024. Collection method: clinical testing. Allele origin: germline.

Blueprint Genetics
Classification: Likely benign. Last evaluated: 2024-11-26. Review status: criteria provided, single submitter. Criteria: ACMG Guidelines, 2015. Collection method: clinical testing. Allele origin: germline.

KCCC/NGS Laboratory, Kuwait Cancer Control Center
Classification: Benign for Xeroderma pigmentosum, group F. Last evaluated: 2023-07-07. Review status: criteria provided, single submitter. Criteria: ACMG Guidelines, 2015. Collection method: clinical testing. Allele origin: germline. Affected: yes.

Fulgent Genetics
Classification: Likely benign for Xeroderma pigmentosum, group F; XFE progeroid syndrome; Fanconi anemia complementation group Q. Last evaluated: 2022-04-29. Review status: criteria provided, single submitter. Criteria: ACMG Guidelines, 2015. Collection method: clinical testing. Allele origin: unknown.

GeneDx
Classification: Benign. Last evaluated: 2019-03-26. Review status: criteria provided, single submitter. Criteria: GeneDx Variant Classification Process June 2021. Collection method: clinical testing. Allele origin: germline. Affected: yes.

Illumina Laboratory Services, Illumina
Classification: Benign for Xeroderma pigmentosum, group F. Last evaluated: 2018-01-13. Review status: criteria provided, single submitter. Criteria: ICSL Variant Classification Criteria 13 December 2019. Collection method: clinical testing. Allele origin: germline.
Comment: This variant was observed in the ICSL laboratory as part of a predisposition screen in an ostensibly healthy population. It had not been previously curated by ICSL or reported in the Human Gene Mutation Database (HGMD: prior to June 1st, 2018), and was therefore a candidate for classification through an automated scoring system. Utilizing variant allele frequency, disease prevalence and penetrance estimates, and inheritance mode, an automated score was calculated to assess if this variant is too frequent to cause the disease. Based on the score and internal cut-off values, a variant classified as benign is not then subjected to further curation. The score for this variant resulted in a classification of benign for this disease.

Breakthrough Genomics
Classification: Benign. Review status: criteria provided, single submitter. Criteria: ACMG Guidelines, 2015. Collection method: not provided. Allele origin: germline. Inheritance: Autosomal recessive inheritance. Affected: yes.

PreventionGenetics, part of Exact Sciences
Classification: Benign. Review status: criteria provided, single submitter. Criteria: ACMG Guidelines, 2015. Collection method: clinical testing. Allele origin: germline.

Genome Diagnostics Laboratory, Amsterdam University Medical Center
Classification: Benign. Review status: no assertion criteria provided. Collection method: clinical testing. Allele origin: germline. Affected: yes. Study: VKGL Data-share Consensus. Not counted in ClinVar's aggregate classification.

Laboratory of Diagnostic Genome Analysis, Leiden University Medical Center (LUMC)
Classification: Benign. Review status: no assertion criteria provided. Collection method: clinical testing. Allele origin: germline. Affected: yes. Study: VKGL Data-share Consensus. Not counted in ClinVar's aggregate classification.

NM_005236.3(ERCC4):c.2655G>A (p.Thr885=)

Gene: ERCC4 (ERCC excision repair 4, endonuclease catalytic subunit; plus strand). Cytogenetic location: 16p13.12.
Variant type: single nucleotide variant.
Coding change: c.2655G>A on transcript NM_005236.3 (MANE Select); coding-DNA position 2655, G replaced by A.
Protein change: p.Thr885=; no amino-acid change (threonine 885 retained).
Molecular consequence: synonymous variant.
Genome position (GRCh38, 1-based): chr16:13,948,251, G>A. VCF-style: chr16-13948251-G-A. GRCh37 (hg19) VCF-style: chr16-14042108-G-A.
Identifiers: ClinVar variation 259684 (VCV000259684.52), dbSNP rs16963255, ClinGen allele CA7910790.